The following is an entry in ClinVar:

NM_006612.6(KIF1C):c.3127G>A (p.Ala1043Thr)

Gene: KIF1C (kinesin family member 1C; plus strand). Cytogenetic location: 17p13.2.
Variant type: single nucleotide variant.
Coding change: c.3127G>A on transcript NM_006612.6 (MANE Select); coding-DNA position 3127, G replaced by A.
Protein change: p.Ala1043Thr; replaces alanine 1043 with threonine.
Molecular consequence: missense variant.
Genome position (GRCh38, 1-based): chr17:5,023,966, G>A. VCF-style: chr17-5023966-G-A. GRCh37 (hg19) VCF-style: chr17-4927261-G-A.
Other names: short protein forms A1043T.
Identifiers: ClinVar variation 1434264 (VCV001434264.8), dbSNP rs1199087791, ClinGen allele CA397319810.

ClinVar aggregate classification (germline): Uncertain significance (1 of 4 stars; one submission).

Conditions:
Spastic ataxia 2. Also called: Ataxia, spastic, 2, autosomal recessive. Identifiers: Orphanet 397946, MedGen C1969796, MONDO:0012651, OMIM 611302.

Allele frequency attached by ClinVar (database versions not stated): gnomAD exomes below 0.00001 and 0.00001.
gnomAD v4.1: 13 of 1,581,246 alleles (0.00082%); highest among the groups gnomAD compares: Non-Finnish European, 0.0011%; no homozygotes.

Submission:

Labcorp Genetics (formerly Invitae), Labcorp
Classification: Uncertain significance for Spastic ataxia 2. Last evaluated: 2021-01-05. Review status: criteria provided, single submitter. Criteria: Invitae Variant Classification Sherloc (09022015). Collection method: clinical testing. Allele origin: germline.
Comment: This sequence change replaces alanine with threonine at codon 1043 of the KIF1C protein (p.Ala1043Thr). The alanine residue is weakly conserved and there is a small physicochemical difference between alanine and threonine. This variant is not present in population databases (ExAC no frequency). This variant has not been reported in the literature in individuals with KIF1C-related conditions. Algorithms developed to predict the effect of missense changes on protein structure and function are either unavailable or do not agree on the potential impact of this missense change (SIFT: "Deleterious"; PolyPhen-2: "Benign"; Align-GVGD: "Class C0"). In summary, the available evidence is currently insufficient to determine the role of this variant in disease. Therefore, it has been classified as a Variant of Uncertain Significance.